The following is an entry in ClinVar:

NM_173076.3(ABCA12):c.178C>T (p.Arg60Ter)

Gene: ABCA12 (ATP binding cassette subfamily A member 12; minus strand). Cytogenetic location: 2q35.
Variant type: single nucleotide variant.
Coding change: c.178C>T on transcript NM_173076.3 (MANE Select); coding-DNA position 178, C replaced by T.
Protein change: p.Arg60Ter; replaces arginine 60 with a stop codon.
Molecular consequence: nonsense. On other transcripts: non-coding transcript variant (1).
Genome position (GRCh38, 1-based): chr2:215,064,205, G>A on the plus strand (C>T on the coding strand, the complement: ABCA12 is on the minus strand). VCF-style: chr2-215064205-G-A. GRCh37 (hg19) VCF-style: chr2-215928928-G-A.
Other names: short protein forms R60*.
Identifiers: ClinVar variation 264997 (VCV000264997.6), dbSNP rs767707248, ClinGen allele CA2092626.
Genomic context (GRCh38, chr2:215,064,205, plus strand): 5'-AGTCTGTGTCACAGAGTAGGGTCTGCAGGAATGGAAAGAATCCAGTACTAGGAAGGTTTC[G>A]AGGTGCGAGGTAACCTAAAATTAAAAAAACAGTCATTACATCAGTATGGCACATTTGTCT-3'

ClinVar aggregate classification (germline): Pathogenic. Review status: criteria provided, multiple submitters, no conflicts (2 of 4 stars). 2 submissions from 2 submitters: Pathogenic (2). Last evaluated 2024-12-06.

Allele frequency attached by ClinVar (database versions not stated): ExAC 0.00001; gnomAD 0.00001; gnomAD exomes 0.00001; TOPMed 0.00001.
gnomAD v4.1: 18 of 1,612,370 alleles (0.0011%); highest among the groups gnomAD compares: Admixed American, 0.0033%; no homozygotes.

Submissions (2):

Labcorp Genetics (formerly Invitae), Labcorp
Classification: Pathogenic. Last evaluated: 2024-12-06. Review status: criteria provided, single submitter. Criteria: Invitae Variant Classification Sherloc (09022015). Collection method: clinical testing. Allele origin: germline.
Comment: This sequence change creates a premature translational stop signal (p.Arg60*) in the ABCA12 gene. It is expected to result in an absent or disrupted protein product. Loss-of-function variants in ABCA12 are known to be pathogenic (PMID: 20672373). This variant is present in population databases (rs767707248, gnomAD 0.002%). This premature translational stop signal has been observed in individual(s) with congenital ichthyosis (PMID: 29887490, 36980989). ClinVar contains an entry for this variant (Variation ID: 264997). For these reasons, this variant has been classified as Pathogenic.

GeneDx
Classification: Pathogenic. Last evaluated: 2023-11-13. Review status: criteria provided, single submitter. Criteria: GeneDx Variant Classification Process June 2021. Collection method: clinical testing. Allele origin: germline. Affected: yes.
Comment: Nonsense variant predicted to result in protein truncation or nonsense mediated decay in a gene for which loss of function is a known mechanism of disease; Not observed at significant frequency in large population cohorts (gnomAD); This variant is associated with the following publications: (PMID: 31589614, 30916489, 36980989, 29887490)

Literature cited by the submitters: PubMed 20672373 (cited by Labcorp Genetics (formerly Invitae), Labcorp); PubMed 29887490 (cited by Labcorp Genetics (formerly Invitae), Labcorp); PubMed 36980989 (cited by Labcorp Genetics (formerly Invitae), Labcorp).